The following is an entry in ClinVar:

ClinVar aggregate classification (germline): Likely benign. Review status: criteria provided, multiple submitters, no conflicts (2 of 4 stars). 2 submissions from 2 submitters: Likely benign (2). Last evaluated 2018-06-16.

Allele frequency attached by ClinVar (database versions not stated): 1000 Genomes Project 0.00839; 1000 Genomes Project 30x 0.00859; gnomAD 0.01943 and 0.02017; TOPMed 0.02068; gnomAD exomes 0.02755.
gnomAD v4.1: 36,485 of 1,370,478 alleles (2.7%); highest among the groups gnomAD compares: Non-Finnish European, 3.1%; 558 homozygotes.

Submissions (2):

GeneDx
Classification: Likely benign. Last evaluated: 2018-06-16. Review status: criteria provided, single submitter. Criteria: GeneDx Variant Classification (06012015). Collection method: clinical testing. Allele origin: germline. Affected: yes.
Comment: This variant is considered likely benign or benign based on one or more of the following criteria: it is a conservative change, it occurs at a poorly conserved position in the protein, it is predicted to be benign by multiple in silico algorithms, and/or has population frequency not consistent with disease.

Breakthrough Genomics
Classification: Likely benign. Review status: criteria provided, single submitter. Criteria: ACMG Guidelines, 2015. Collection method: not provided. Allele origin: germline. Inheritance: Autosomal dominant inheritance. Affected: yes.

NM_152263.4(TPM3):c.118-276T>C

Gene: TPM3 (tropomyosin 3; minus strand). Cytogenetic location: 1q21.3.
Variant type: single nucleotide variant.
Coding change: c.118-276T>C on transcript NM_152263.4 (MANE Select); 276 bases into the intron before coding-DNA position 118, T replaced by C.
Molecular consequence: intron variant.
Genome position (GRCh38, 1-based): chr1:154,191,587, A>G on the plus strand (T>C on the coding strand, the complement: TPM3 is on the minus strand). VCF-style: chr1-154191587-A-G. GRCh37 (hg19) VCF-style: chr1-154164063-A-G.
Other names: c.118-276T>C (NM_001364679.2, NM_001364681.2, NM_001364680.2 and 1 more transcripts).
Identifiers: ClinVar variation 673434 (VCV000673434.2), dbSNP rs41265215, ClinGen allele CA30787678.